The following is an entry in ClinVar:

NM_001830.4(CLCN4):c.2023T>C (p.Tyr675His)

Gene: CLCN4 (chloride voltage-gated channel 4; plus strand). Cytogenetic location: Xp22.2.
Variant type: single nucleotide variant.
Coding change: c.2023T>C on transcript NM_001830.4 (MANE Select); coding-DNA position 2023, T replaced by C.
Protein change: p.Tyr675His; replaces tyrosine 675 with histidine.
Molecular consequence: missense variant.
Genome position (GRCh38, 1-based): chrX:10,220,708, T>C. VCF-style: chrX-10220708-T-C. GRCh37 (hg19) VCF-style: chrX-10188748-T-C.
Other names: c.1741T>C, p.Tyr581His (NM_001256944.2); short protein forms Y675H, Y581H.
Identifiers: ClinVar variation 1422667 (VCV001422667.8), dbSNP rs1301982045, ClinGen allele CA412044293.

ClinVar aggregate classification (germline): Uncertain significance (1 of 4 stars; one submission).

Allele frequency attached by ClinVar (database versions not stated): gnomAD exomes 0.00001 and 0.00002.
gnomAD v4.1: 17 of 1,211,525 alleles (0.0014%); highest among the groups gnomAD compares: Non-Finnish European, 0.0019%; no homozygotes.

Submission:

Labcorp Genetics (formerly Invitae), Labcorp
Classification: Uncertain significance. Last evaluated: 2024-06-29. Review status: criteria provided, single submitter. Criteria: Invitae Variant Classification Sherloc (09022015). Collection method: clinical testing. Allele origin: germline.
Comment: This sequence change replaces tyrosine, which is neutral and polar, with histidine, which is basic and polar, at codon 675 of the CLCN4 protein (p.Tyr675His). This variant is present in population databases (no rsID available, gnomAD 0.003%). This variant has not been reported in the literature in individuals affected with CLCN4-related conditions. ClinVar contains an entry for this variant (Variation ID: 1422667). Advanced modeling of protein sequence and biophysical properties (such as structural, functional, and spatial information, amino acid conservation, physicochemical variation, residue mobility, and thermodynamic stability) has been performed at Invitae for this missense variant, however the output from this modeling did not meet the statistical confidence thresholds required to predict the impact of this variant on CLCN4 protein function. In summary, the available evidence is currently insufficient to determine the role of this variant in disease. Therefore, it has been classified as a Variant of Uncertain Significance.